The following is an entry in ClinVar:

NM_004715.5(CTDP1):c.2293G>T (p.Ala765Ser)

Gene: CTDP1 (CTD phosphatase subunit 1; plus strand). Cytogenetic location: 18q23.
Variant type: single nucleotide variant.
Coding change: c.2293G>T on transcript NM_004715.5 (MANE Select); coding-DNA position 2293, G replaced by T.
Protein change: p.Ala765Ser; replaces alanine 765 with serine.
Molecular consequence: missense variant.
Genome position (GRCh38, 1-based): chr18:79,717,892, G>T. VCF-style: chr18-79717892-G-T. GRCh37 (hg19) VCF-style: chr18-77477892-G-T.
Other names: c.1936G>T, p.Ala646Ser (NM_001202504.1); c.2293G>T, p.Ala765Ser (NM_001318511.2, NM_048368.4); short protein forms A646S, A765S.
Identifiers: ClinVar variation 2115483 (VCV002115483.1), dbSNP rs368290203, ClinGen allele CA9010547.

ClinVar aggregate classification (germline): Uncertain significance (1 of 4 stars; one submission).

Allele frequency attached by ClinVar (database versions not stated): gnomAD 0.00001; gnomAD exomes 0.00001; ExAC 0.00002; TOPMed 0.00002; ESP Exome Variant Server 0.00008.
gnomAD v4.1: 17 of 1,613,372 alleles (0.0011%); highest among the groups gnomAD compares: African/African-American, 0.0013%; no homozygotes.

Submission:

Labcorp Genetics (formerly Invitae), Labcorp
Classification: Uncertain significance. Last evaluated: 2022-07-25. Review status: criteria provided, single submitter. Criteria: Invitae Variant Classification Sherloc (09022015). Collection method: clinical testing. Allele origin: germline.
Comment: This sequence change replaces alanine, which is neutral and non-polar, with serine, which is neutral and polar, at codon 765 of the CTDP1 protein (p.Ala765Ser). This variant is present in population databases (rs368290203, gnomAD 0.002%). This variant has not been reported in the literature in individuals affected with CTDP1-related conditions. Algorithms developed to predict the effect of missense changes on protein structure and function output the following: SIFT: "Tolerated"; PolyPhen-2: "Benign"; Align-GVGD: "Class C0". The serine amino acid residue is found in multiple mammalian species, which suggests that this missense change does not adversely affect protein function. In summary, the available evidence is currently insufficient to determine the role of this variant in disease. Therefore, it has been classified as a Variant of Uncertain Significance.